The following is an entry in ClinVar:

ClinVar aggregate classification (germline): Conflicting classifications of pathogenicity. Review status: criteria provided, conflicting classifications (1 of 4 stars). 4 submissions from 4 submitters: Uncertain significance (1); Likely benign (3). Last evaluated 2026-01-05.

Conditions:
Saldino-Mainzer syndrome (SRTD9). Also called: CONORENAL SYNDROME; SHORT-RIB THORACIC DYSPLASIA 9 WITHOUT POLYDACTYLY; short-rib thoracic dysplasia 9 with or without polydactyly; Renal dysplasia, retinal pigmentary dystrophy, cerebellar ataxia and skeletal dysplasia. Identifiers: Orphanet 140969, MedGen C1849437, MONDO:0009964, OMIM 266920.

Allele frequency attached by ClinVar (database versions not stated): gnomAD 0.00006 and 0.00007; gnomAD exomes 0.00006; ExAC 0.00008; TOPMed 0.00008; ESP Exome Variant Server 0.00015.

Submissions (4):

Labcorp Genetics (formerly Invitae), Labcorp
Classification: Likely benign for Saldino-Mainzer syndrome. Last evaluated: 2026-01-05. Review status: criteria provided, single submitter. Criteria: Invitae Variant Classification Sherloc (09022015). Collection method: clinical testing. Allele origin: germline.

Blueprint Genetics
Classification: Likely benign. Last evaluated: 2023-12-15. Review status: criteria provided, single submitter. Criteria: ACMG Guidelines, 2015. Collection method: clinical testing. Allele origin: germline.

CeGaT Center for Human Genetics Tuebingen
Classification: Likely benign. Last evaluated: 2023-10-01. Review status: criteria provided, single submitter. Criteria: CeGaT Center For Human Genetics Tuebingen Variant Classification Criteria Version 2. Collection method: clinical testing. Allele origin: germline. Affected: yes. Observed: 1 variant allele.
Comment: IFT140: BP4, BP7

Illumina Laboratory Services, Illumina
Classification: Uncertain significance for Saldino-Mainzer syndrome. Last evaluated: 2018-01-12. Review status: criteria provided, single submitter. Criteria: ICSL Variant Classification Criteria 13 December 2019. Collection method: clinical testing. Allele origin: germline.

NM_014714.4(IFT140):c.4266C>T (p.Ala1422=)

Gene: IFT140 (intraflagellar transport 140; minus strand). Cytogenetic location: 16p13.3.
Variant type: single nucleotide variant.
Coding change: c.4266C>T on transcript NM_014714.4 (MANE Select); coding-DNA position 4266, C replaced by T.
Protein change: p.Ala1422=; no amino-acid change (alanine 1422 retained).
Molecular consequence: synonymous variant.
Genome position (GRCh38, 1-based): chr16:1,511,067, G>A on the plus strand (C>T on the coding strand, the complement: IFT140 is on the minus strand). VCF-style: chr16-1511067-G-A. GRCh37 (hg19) VCF-style: chr16-1561068-G-A.
Identifiers: ClinVar variation 317988 (VCV000317988.39), dbSNP rs149359139, ClinGen allele CA7812807.
Genomic context (GRCh38, chr16:1,511,067, plus strand): 5'-GTTGTGGCGGACCTGCTCGGGGACGGTGCGTGGCAGTGGGAGACCCAGCCCCCGGTGCAC[G>A]GCGTCCACGGCCTGCGGGCTCACGTAGTAGGACATGTTGGCCAAGGGAAGCCGCCGCCGC-3'
Protein context (NP_055529.2, residues 1412-1432): SYYVSPQAVD[Ala1422=]VHRGLGLPLP